The following is an entry in ClinVar:

ClinVar aggregate classification (germline): Uncertain significance (1 of 4 stars; one submission).

Conditions:
Late-onset retinal degeneration (LORD). Also called: RETINAL DEGENERATION, LATE-ONSET, AUTOSOMAL DOMINANT. Identifiers: Orphanet 67042, MedGen C1854065, MONDO:0011579, OMIM 605670. Disease mechanism: loss of function.

Submission:

Institute of Human Genetics, University of Leipzig Medical Center
Classification: Uncertain significance for Late-onset retinal degeneration. Last evaluated: 2024-05-22. Review status: criteria provided, single submitter. Criteria: ACMG Guidelines, 2015. Collection method: clinical testing. Allele origin: unknown. Affected: yes.
Comment: Criteria applied: PM2,PP3

NM_001278431.2(C1QTNF5):c.142G>A (p.Gly48Ser)

Genes: C1QTNF5 (C1q and TNF related 5; minus strand), MFRP (membrane frizzled-related protein; minus strand). Cytogenetic location: 11q23.3.
Variant type: single nucleotide variant.
Coding change: c.142G>A on transcript NM_001278431.2 (MANE Select); coding-DNA position 142, G replaced by A.
Protein change: p.Gly48Ser; replaces glycine 48 with serine.
Molecular consequence: missense variant. On other transcripts: 3 prime UTR variant (1).
Genome position (GRCh38, 1-based): chr11:119,340,256, C>T on the plus strand (G>A on the coding strand, the complement: C1QTNF5 is on the minus strand). VCF-style: chr11-119340256-C-T. GRCh37 (hg19) VCF-style: chr11-119210966-C-T.
Other names: c.142G>A, p.Gly48Ser (NM_015645.5); c.*1038G>A (NM_031433.4); short protein forms G48S.
Identifiers: ClinVar variation 3359137 (VCV003359137.2).
Genomic context (GRCh38, chr11:119,340,256, plus strand): 5'-CCTCGCCTTTCTCTCCCGGAGCCCCGGGCGCGCCGTCGCGGCCGTCGCGGCCATCGCGGC[C>T]CGGCAAGCCCTGGCTGCCATGGTGGCCCGGCGTGCCTGGAAGGCCGGGGTGCCCCGGGCA-3'
Protein context (NP_001265360.1, residues 38-58): PGHHGSQGLP[Gly48Ser]RDGRDGRDGA